The following is an entry in ClinVar:

ClinVar aggregate classification (germline): Uncertain significance (1 of 4 stars; one submission).

Conditions:
Alagille syndrome due to a JAG1 point mutation. Also called: Alagille Syndrome 1; HEPATIC DUCTULAR HYPOPLASIA, SYNDROMATIC; JAG1-Related Alagille Syndrome. Identifiers: Orphanet 261619, Orphanet 52, MedGen C1956125, MONDO:0016862, OMIM 118450.

Submission:

Labcorp Genetics (formerly Invitae), Labcorp
Classification: Uncertain significance for Alagille syndrome due to a JAG1 point mutation. Last evaluated: 2024-05-23. Review status: criteria provided, single submitter. Criteria: Invitae Variant Classification Sherloc (09022015). Collection method: clinical testing. Allele origin: germline.
Comment: This sequence change replaces threonine, which is neutral and polar, with isoleucine, which is neutral and non-polar, at codon 570 of the JAG1 protein (p.Thr570Ile). This variant is not present in population databases (gnomAD no frequency). This variant has not been reported in the literature in individuals affected with JAG1-related conditions. Advanced modeling of protein sequence and biophysical properties (such as structural, functional, and spatial information, amino acid conservation, physicochemical variation, residue mobility, and thermodynamic stability) performed at Invitae indicates that this missense variant is not expected to disrupt JAG1 protein function with a negative predictive value of 80%. In summary, the available evidence is currently insufficient to determine the role of this variant in disease. Therefore, it has been classified as a Variant of Uncertain Significance.

NM_000214.3(JAG1):c.1709C>T (p.Thr570Ile)

Gene: JAG1 (jagged canonical Notch ligand 1; minus strand). Cytogenetic location: 20p12.2.
Variant type: single nucleotide variant.
Coding change: c.1709C>T on transcript NM_000214.3 (MANE Select); coding-DNA position 1709, C replaced by T.
Protein change: p.Thr570Ile; replaces threonine 570 with isoleucine.
Molecular consequence: missense variant.
Genome position (GRCh38, 1-based): chr20:10,647,971, G>A on the plus strand (C>T on the coding strand, the complement: JAG1 is on the minus strand). VCF-style: chr20-10647971-G-A. GRCh37 (hg19) VCF-style: chr20-10628619-G-A.
Other names: short protein forms T570I.
Identifiers: ClinVar variation 2738340 (VCV002738340.3), dbSNP rs1199378103, ClinGen allele CA408236722.